The following is an entry in ClinVar:

NM_000419.5(ITGA2B):c.860G>A (p.Gly287Asp)

Gene: ITGA2B (integrin subunit alpha 2b; minus strand). Cytogenetic location: 17q21.31.
Variant type: single nucleotide variant.
Coding change: c.860G>A on transcript NM_000419.5 (MANE Select); coding-DNA position 860, G replaced by A.
Protein change: p.Gly287Asp; replaces glycine 287 with aspartic acid.
Molecular consequence: missense variant.
Genome position (GRCh38, 1-based): chr17:44,384,342, C>T on the plus strand (G>A on the coding strand, the complement: ITGA2B is on the minus strand). VCF-style: chr17-44384342-C-T. GRCh37 (hg19) VCF-style: chr17-42461710-C-T.
Other names: short protein forms G287D.
Identifiers: ClinVar variation 3627303 (VCV003627303.2).

ClinVar aggregate classification (germline): Uncertain significance (1 of 4 stars; one submission).

Conditions:
Glanzmann thrombasthenia. Also called: BLEEDING DISORDER, PLATELET-TYPE, 2; THROMBASTHENIA OF GLANZMANN AND NAEGELI; PLATELET GLYCOPROTEIN IIb-IIIa DEFICIENCY; Thrombasthenia; Glanzmann's thrombasthenia. Identifiers: Orphanet 849, MedGen C0040015, MONDO:0100326.

Submission:

Labcorp Genetics (formerly Invitae), Labcorp
Classification: Uncertain significance for Glanzmann thrombasthenia. Last evaluated: 2024-07-21. Review status: criteria provided, single submitter. Criteria: Invitae Variant Classification Sherloc (09022015). Collection method: clinical testing. Allele origin: germline.
Comment: This sequence change replaces glycine, which is neutral and non-polar, with aspartic acid, which is acidic and polar, at codon 287 of the ITGA2B protein (p.Gly287Asp). This variant is not present in population databases (gnomAD no frequency). This variant has not been reported in the literature in individuals affected with ITGA2B-related conditions. Advanced modeling of protein sequence and biophysical properties (such as structural, functional, and spatial information, amino acid conservation, physicochemical variation, residue mobility, and thermodynamic stability) has been performed at Invitae for this missense variant, however the output from this modeling did not meet the statistical confidence thresholds required to predict the impact of this variant on ITGA2B protein function. In summary, the available evidence is currently insufficient to determine the role of this variant in disease. Therefore, it has been classified as a Variant of Uncertain Significance.